The following is an entry in ClinVar:

ClinVar aggregate classification (germline): Uncertain significance (1 of 4 stars; one submission).

Allele frequency attached by ClinVar (database versions not stated): gnomAD exomes 0.00002 and 0.00010; gnomAD 0.00003 and 0.00005; TOPMed 0.00005; ExAC 0.00009; 1000 Genomes Project 30x 0.00031; 1000 Genomes Project 0.00040.
gnomAD v4.1: 33 of 1,609,722 alleles (0.0021%); highest among the groups gnomAD compares: East Asian, 0.069%; no homozygotes.

Submission:

Labcorp Genetics (formerly Invitae), Labcorp
Classification: Uncertain significance. Last evaluated: 2024-08-16. Review status: criteria provided, single submitter. Criteria: Invitae Variant Classification Sherloc (09022015). Collection method: clinical testing. Allele origin: germline.
Comment: This sequence change replaces proline, which is neutral and non-polar, with alanine, which is neutral and non-polar, at codon 464 of the FGFRL1 protein (p.Pro464Ala). This variant is present in population databases (rs80019124, gnomAD 0.1%), and has an allele count higher than expected for a pathogenic variant. This variant has not been reported in the literature in individuals affected with FGFRL1-related conditions. ClinVar contains an entry for this variant (Variation ID: 1412224). An algorithm developed to predict the effect of missense changes on protein structure and function (PolyPhen-2) suggests that this variant is likely to be tolerated. In summary, the available evidence is currently insufficient to determine the role of this variant in disease. Therefore, it has been classified as a Variant of Uncertain Significance.

NM_001004356.3(FGFRL1):c.1390C>G (p.Pro464Ala)

Gene: FGFRL1 (fibroblast growth factor receptor like 1; plus strand). Cytogenetic location: 4p16.3.
Variant type: single nucleotide variant.
Coding change: c.1390C>G on transcript NM_001004356.3 (MANE Select); coding-DNA position 1390, C replaced by G.
Protein change: p.Pro464Ala; replaces proline 464 with alanine.
Molecular consequence: missense variant.
Genome position (GRCh38, 1-based): chr4:1,025,222, C>G. VCF-style: chr4-1025222-C-G. GRCh37 (hg19) VCF-style: chr4-1019010-C-G.
Other names: c.1390C>G, p.Pro464Ala (NM_001004358.1, NM_001370296.1, NM_021923.3); short protein forms P464A.
Identifiers: ClinVar variation 1412224 (VCV001412224.8), dbSNP rs80019124, ClinGen allele CA2803102.